The following is an entry in ClinVar:

NC_000016.9:g.(?_27585202)_(27585297_?)del

Gene: KATNIP (katanin interacting protein; plus strand). Cytogenetic location: 16p12.1.
Variant type: Deletion.
Identifiers: ClinVar variation 3243648 (VCV003243648.1).

ClinVar aggregate classification (germline): Pathogenic (1 of 4 stars; one submission).

Submission:

Labcorp Genetics (formerly Invitae), Labcorp
Classification: Pathogenic. Last evaluated: 2023-12-27. Review status: criteria provided, single submitter. Criteria: Invitae Variant Classification Sherloc (09022015). Collection method: clinical testing. Allele origin: unknown.
Comment: This variant is a gross deletion of the genomic region encompassing exon(s) 2 of the KIAA0556 gene. This deletion is out-of-frame, and is expected to create a premature termination codon and result in an absent or disrupted protein product. Loss-of-function variants in KIAA0556 are known to be pathogenic (PMID: 26714646, 27245168). This variant has not been reported in the literature in individuals affected with KIAA0556-related conditions. For these reasons, this variant has been classified as Pathogenic.

Literature cited by the submitters: PubMed 26714646; PubMed 27245168.